The following is an entry in ClinVar:

NM_032409.3(PINK1):c.556A>G (p.Lys186Glu)

Gene: PINK1 (PTEN induced kinase 1; plus strand). Cytogenetic location: 1p36.12.
Variant type: single nucleotide variant.
Coding change: c.556A>G on transcript NM_032409.3 (MANE Select); coding-DNA position 556, A replaced by G.
Protein change: p.Lys186Glu; replaces lysine 186 with glutamic acid.
Molecular consequence: missense variant.
Genome position (GRCh38, 1-based): chr1:20,638,010, A>G. VCF-style: chr1-20638010-A-G. GRCh37 (hg19) VCF-style: chr1-20964503-A-G.
Other names: short protein forms K186E.
Identifiers: ClinVar variation 2037709 (VCV002037709.5), dbSNP rs371385940, ClinGen allele CA660453.

ClinVar aggregate classification (germline): Conflicting classifications of pathogenicity. Review status: criteria provided, conflicting classifications (1 of 4 stars). 2 submissions from 2 submitters: Uncertain significance (1); Likely benign (1). Last evaluated 2022-02-28.

Conditions:
Autosomal recessive early-onset Parkinson disease 6 (PARK6). Also called: PARKINSON DISEASE 6, EARLY-ONSET; PARKINSON DISEASE 6, MODIFIER OF; PINK1-Related Parkinson Disease; PINK1 Type of Young-Onset Parkinson Disease. Identifiers: Orphanet 2828, MedGen C1853833, MONDO:0011613, OMIM 605909.
Inborn genetic diseases. Identifiers: MedGen C0950123, MeSH D030342.

Allele frequency attached by ClinVar (database versions not stated): ExAC 0.00002; ESP Exome Variant Server 0.00008; 1000 Genomes Project 0.00020; 1000 Genomes Project 30x 0.00047.
gnomAD v4.1: 19 of 1,614,154 alleles (0.0012%); highest among the groups gnomAD compares: African/African-American, 0.008%; no homozygotes.

Submissions (2):

Labcorp Genetics (formerly Invitae), Labcorp
Classification: Uncertain significance for Autosomal recessive early-onset Parkinson disease 6. Last evaluated: 2022-02-28. Review status: criteria provided, single submitter. Criteria: Invitae Variant Classification Sherloc (09022015). Collection method: clinical testing. Allele origin: germline.
Comment: In summary, the available evidence is currently insufficient to determine the role of this variant in disease. Therefore, it has been classified as a Variant of Uncertain Significance. Algorithms developed to predict the effect of missense changes on protein structure and function output the following: SIFT: "Tolerated"; PolyPhen-2: "Benign"; Align-GVGD: "Class C0". The glutamic acid amino acid residue is found in multiple mammalian species, which suggests that this missense change does not adversely affect protein function. This variant has not been reported in the literature in individuals affected with PINK1-related conditions. The frequency data for this variant in the population databases is considered unreliable, as metrics indicate poor data quality at this position in the gnomAD database. This sequence change replaces lysine, which is basic and polar, with glutamic acid, which is acidic and polar, at codon 186 of the PINK1 protein (p.Lys186Glu).

Ambry Genetics
Classification: Likely benign for Inborn genetic diseases. Last evaluated: 2021-07-14. Review status: criteria provided, single submitter. Criteria: Ambry Variant Classification Scheme 2023. Collection method: clinical testing. Allele origin: germline.